The following is an entry in ClinVar:

NM_001166108.2(PALLD):c.622A>G (p.Lys208Glu)

Gene: PALLD (palladin, cytoskeletal associated protein; plus strand). Cytogenetic location: 4q32.3.
Variant type: single nucleotide variant.
Coding change: c.622A>G on transcript NM_001166108.2 (MANE Select); coding-DNA position 622, A replaced by G.
Protein change: p.Lys208Glu; replaces lysine 208 with glutamic acid.
Molecular consequence: missense variant.
Genome position (GRCh38, 1-based): chr4:168,512,126, A>G. VCF-style: chr4-168512126-A-G. GRCh37 (hg19) VCF-style: chr4-169433277-A-G.
Other names: c.622A>G, p.Lys208Glu (NM_016081.4); short protein forms K208E.
Identifiers: ClinVar variation 2227521 (VCV002227521.3), dbSNP rs1762580055, ClinGen allele CA358727463.

ClinVar aggregate classification (germline): Uncertain significance. Review status: criteria provided, multiple submitters, no conflicts (2 of 4 stars). 2 submissions from 2 submitters: Uncertain significance (2). Last evaluated 2023-07-07.

Conditions:
Pancreatic cancer, susceptibility to, 1. Identifiers: Orphanet 1333, MedGen C1847351, MONDO:0011739, OMIM 606856.

Allele frequency attached by ClinVar (database versions not stated): gnomAD exomes below 0.00001.
gnomAD v4.1: 4 of 1,614,192 alleles (0.00025%); highest among the groups gnomAD compares: Middle Eastern, 0.016%; no homozygotes.

Submissions (2):

KCCC/NGS Laboratory, Kuwait Cancer Control Center
Classification: Uncertain significance for Pancreatic cancer, susceptibility to, 1. Last evaluated: 2023-07-07. Review status: criteria provided, single submitter. Criteria: ACMG Guidelines, 2015. Collection method: clinical testing. Allele origin: unknown. Affected: yes.
Comment: This sequence change replaces glutamate with lysine at codon 208 of the PALLD protein (p.Glu208Lys). This variant is not present in population databases (ExAC). It has not been reported in the literature in individuals with a PALLD-related disease as far as we know. Algorithms developed to predict the effect of missense changes on protein structure and function agree on the potential impact of this missense change (SIFT: "Deleterious"; PolyPhen-2: "Possibly damaging"). There is no indication that it causes disease, but the available evidence is currently insufficient to prove that conclusively. Therefore, it has been classified as a Variant of Uncertain Significance.

Ambry Genetics
Classification: Uncertain significance. Last evaluated: 2022-07-05. Review status: criteria provided, single submitter. Criteria: Ambry Variant Classification Scheme 2023. Collection method: clinical testing. Allele origin: germline.